The following is an entry in ClinVar:

NM_001429.4(EP300):c.4840GATCCT[1] (p.1614DP[1])

Gene: EP300 (E1A binding protein p300; plus strand). Cytogenetic location: 22q13.2.
Variant type: Microsatellite.
Coding change: c.4840GATCCT[1] on transcript NM_001429.4 (MANE Select); one copy of the 6-base unit GATCCT starting at c.4840; the reference has two copies in a row; one copy, 6 bases deleted.
Protein change: p.1614DP[1].
Genome position (GRCh38, 1-based): chr22:41,176,313-41,176,318, GATCCT deleted; deleting any 6 consecutive bases within chr22:41,176,306-41,176,318 gives the same sequence; the position shown is the placement nearest the transcript's 3' end. VCF-style (leftmost placement, unchanged base first): chr22-41176305-TTGATCC-T. GRCh37 (hg19) VCF-style: chr22-41572309-TTGATCC-T.
Other names: c.4762GATCCT[1], p.1588DP[1] (NM_001362843.2).
Identifiers: ClinVar variation 3372026 (VCV003372026.1).
Genomic context (GRCh38, chr22:41,176,305, plus strand): 5'-AGGTCTTCTTTGTGATCCGCCTCATTGCTGGCCCTGCTGCCAACTCCCTGCCTCCCATTG[TTGATCC>T]TGATCCTCTCATCCCCTGCGATCTGATGGATGGTCGGGATGCGTTTCTCACGCTGGCAAG-3'

ClinVar aggregate classification (germline): Uncertain significance (1 of 4 stars; one submission).

Submission:

GeneDx
Classification: Uncertain significance. Last evaluated: 2024-04-11. Review status: criteria provided, single submitter. Criteria: GeneDx Variant Classification Process June 2021. Collection method: clinical testing. Allele origin: germline. Affected: yes.
Comment: Not observed at significant frequency in large population cohorts (gnomAD); In-frame deletion of 2 amino acids in a non-repeat region; In silico analysis supports a deleterious effect on protein structure/function; Has not been previously published as pathogenic or benign to our knowledge